The following is an entry in ClinVar:

NM_139057.4(ADAMTS17):c.1691G>A (p.Arg564His)

Genes: ADAMTS17 (ADAM metallopeptidase with thrombospondin type 1 motif 17; minus strand), LOC130058037 (ATAC-STARR-seq lymphoblastoid active region 10166; plus strand). Cytogenetic location: 15q26.3.
Variant type: single nucleotide variant.
Coding change: c.1691G>A on transcript NM_139057.4 (MANE Select); coding-DNA position 1691, G replaced by A.
Protein change: p.Arg564His; replaces arginine 564 with histidine.
Molecular consequence: missense variant.
Genome position (GRCh38, 1-based): chr15:100,132,037, C>T on the plus strand (G>A on the coding strand, the complement: ADAMTS17 is on the minus strand). VCF-style: chr15-100132037-C-T. GRCh37 (hg19) VCF-style: chr15-100672242-C-T.
Other names: short protein forms R564H.
Identifiers: ClinVar variation 1468419 (VCV001468419.3), dbSNP rs756808653, ClinGen allele CA7758123.

ClinVar aggregate classification (germline): Uncertain significance (1 of 4 stars; one submission).

gnomAD v4.1: 52 of 1,613,812 alleles (0.0032%); highest among the groups gnomAD compares: South Asian, 0.018%; no homozygotes.

Submission:

Labcorp Genetics (formerly Invitae), Labcorp
Classification: Uncertain significance. Last evaluated: 2022-08-02. Review status: criteria provided, single submitter. Criteria: Invitae Variant Classification Sherloc (09022015). Collection method: clinical testing. Allele origin: germline.
Comment: This sequence change replaces arginine, which is basic and polar, with histidine, which is basic and polar, at codon 564 of the ADAMTS17 protein (p.Arg564His). This variant is present in population databases (rs756808653, gnomAD 0.008%). This variant has not been reported in the literature in individuals affected with ADAMTS17-related conditions. ClinVar contains an entry for this variant (Variation ID: 1468419). Algorithms developed to predict the effect of missense changes on protein structure and function are either unavailable or do not agree on the potential impact of this missense change (SIFT: "Not Available"; PolyPhen-2: "Possibly Damaging"; Align-GVGD: "Not Available"). In summary, the available evidence is currently insufficient to determine the role of this variant in disease. Therefore, it has been classified as a Variant of Uncertain Significance.